The following is an entry in ClinVar:

ClinVar aggregate classification (germline): Benign. Review status: criteria provided, single submitter (1 of 4 stars). 2 submissions from 2 submitters: Benign (1). 1 of the submissions does not count toward it. Last evaluated 2019-12-31.

Conditions:
SEMA5A-related disorder. Also called: SEMA5A-related condition.

Allele frequency attached by ClinVar (database versions not stated): gnomAD 0.00043 and 0.00101; TOPMed 0.00055; ESP Exome Variant Server 0.00069; gnomAD exomes 0.00103 and 0.00210; ExAC 0.00237; 1000 Genomes Project 0.00619; 1000 Genomes Project 30x 0.00625.
gnomAD v4.1: 1,658 of 1,614,166 alleles (0.1%); highest among the groups gnomAD compares: South Asian, 1.6%; 27 homozygotes.

Submissions (3):

Labcorp Genetics (formerly Invitae), Labcorp
Classification: Benign. Last evaluated: 2019-12-31. Review status: criteria provided, single submitter. Criteria: Invitae Variant Classification Sherloc (09022015). Collection method: clinical testing. Allele origin: germline.

PreventionGenetics, part of Exact Sciences
Classification: Benign for SEMA5A-related condition. Last evaluated: 2019-10-02. Review status: no assertion criteria provided. Collection method: clinical testing. Allele origin: germline. Not counted in ClinVar's aggregate classification.
Comment: This variant is classified as benign based on ACMG/AMP sequence variant interpretation guidelines (Richards et al. 2015 PMID: 25741868, with internal and published modifications).

Dr. Peter K. Rogan Lab, Western University
No classification provided (evidence only). Condition: Familial cancer of breast. Review status: no classification provided. Collection method: in vitro. Allele origin: not applicable. Functional consequence: retained intron. Not counted in ClinVar's aggregate classification.

NM_003966.3(SEMA5A):c.2817G>A (p.Pro939=)

Gene: SEMA5A (semaphorin 5A; minus strand). Cytogenetic location: 5p15.31.
Variant type: single nucleotide variant.
Coding change: c.2817G>A on transcript NM_003966.3 (MANE Select); coding-DNA position 2817, G replaced by A.
Protein change: p.Pro939=; no amino-acid change (proline 939 retained).
Molecular consequence: synonymous variant.
Genome position (GRCh38, 1-based): chr5:9,051,901, C>T on the plus strand (G>A on the coding strand, the complement: SEMA5A is on the minus strand). VCF-style: chr5-9051901-C-T. GRCh37 (hg19) VCF-style: chr5-9052013-C-T.
Other names: NC_000005.9:g.9052013C>T.
Identifiers: ClinVar variation 733345 (VCV000733345.7), dbSNP rs145965659, ClinGen allele CA3196316.